The following is an entry in ClinVar:

ClinVar aggregate classification (germline): Likely benign (1 of 4 stars; one submission).

Allele frequency attached by ClinVar (database versions not stated): 1000 Genomes Project 30x 0.00156; 1000 Genomes Project 0.00160.
gnomAD v4.1: 1,438 of 1,518,746 alleles (0.095%); highest among the groups gnomAD compares: Middle Eastern, 1%; 7 homozygotes.

Submission:

CeGaT Center for Human Genetics Tuebingen
Classification: Likely benign. Last evaluated: 2023-03-01. Review status: criteria provided, single submitter. Criteria: CeGaT Center For Human Genetics Tuebingen Variant Classification Criteria Version 2. Collection method: clinical testing. Allele origin: germline. Affected: yes. Observed: 1 variant allele.
Comment: MTG1: BS2

NM_138384.4(MTG1):c.30C>G (p.Ser10Arg)

Genes: MTG1 (mitochondrial ribosome associated GTPase 1; plus strand), LOC130005028 (ATAC-STARR-seq lymphoblastoid silent region 2981; plus strand). Cytogenetic location: 10q26.3.
Variant type: single nucleotide variant.
Coding change: c.30C>G on transcript NM_138384.4 (MANE Select); coding-DNA position 30, C replaced by G.
Protein change: p.Ser10Arg; replaces serine 10 with arginine.
Molecular consequence: missense variant.
Genome position (GRCh38, 1-based): chr10:133,394,250, C>G. VCF-style: chr10-133394250-C-G. GRCh37 (hg19) VCF-style: chr10-135207754-C-G.
Other names: short protein forms S10R.
Identifiers: ClinVar variation 2641031 (VCV002641031.24), dbSNP rs374714619, ClinGen allele CA5766458.